The following is an entry in ClinVar:

ClinVar aggregate classification (germline): Uncertain significance (1 of 4 stars; one submission).

Conditions:
DiGeorge syndrome. Also called: Catch22; THIRD AND FOURTH PHARYNGEAL POUCH SYNDROME. Identifiers: Orphanet 567, MedGen C0012236, MONDO:0008564, OMIM 188400.

Submission:

Labcorp Genetics (formerly Invitae), Labcorp
Classification: Uncertain significance for DiGeorge syndrome. Last evaluated: 2023-11-28. Review status: criteria provided, single submitter. Criteria: Invitae Variant Classification Sherloc (09022015). Collection method: clinical testing. Allele origin: germline.
Comment: This sequence change replaces threonine, which is neutral and polar, with lysine, which is basic and polar, at codon 334 of the TBX1 protein (p.Thr334Lys). The frequency data for this variant in the population databases is considered unreliable, as metrics indicate poor data quality at this position in the gnomAD database. This variant has not been reported in the literature in individuals affected with TBX1-related conditions. Advanced modeling of protein sequence and biophysical properties (such as structural, functional, and spatial information, amino acid conservation, physicochemical variation, residue mobility, and thermodynamic stability) performed at Invitae indicates that this missense variant is not expected to disrupt TBX1 protein function with a negative predictive value of 80%. In summary, the available evidence is currently insufficient to determine the role of this variant in disease. Therefore, it has been classified as a Variant of Uncertain Significance.

NM_001379200.1(TBX1):c.1028C>A (p.Thr343Lys)

Gene: TBX1 (T-box transcription factor 1; plus strand). Cytogenetic location: 22q11.21.
Variant type: single nucleotide variant.
Coding change: c.1028C>A on transcript NM_001379200.1 (MANE Select); coding-DNA position 1028, C replaced by A.
Protein change: p.Thr343Lys; replaces threonine 343 with lysine.
Molecular consequence: missense variant.
Genome position (GRCh38, 1-based): chr22:19,765,994, C>A. VCF-style: chr22-19765994-C-A. GRCh37 (hg19) VCF-style: chr22-19753517-C-A.
Other names: c.1001C>A, p.Thr334Lys (NM_005992.1, NM_080646.2, NM_080647.1); short protein forms T334K, T343K.
Identifiers: ClinVar variation 2794873 (VCV002794873.3), dbSNP rs1222521351, ClinGen allele CA410683924.